The following is an entry in ClinVar:

NM_176787.5(PIGN):c.76T>C (p.Ser26Pro)

Gene: PIGN (phosphatidylinositol glycan anchor biosynthesis class N; minus strand). Cytogenetic location: 18q21.33.
Variant type: single nucleotide variant.
Coding change: c.76T>C on transcript NM_176787.5 (MANE Select); coding-DNA position 76, T replaced by C.
Protein change: p.Ser26Pro; replaces serine 26 with proline.
Molecular consequence: missense variant.
Genome position (GRCh38, 1-based): chr18:62,161,278, A>G on the plus strand (T>C on the coding strand, the complement: PIGN is on the minus strand). VCF-style: chr18-62161278-A-G. GRCh37 (hg19) VCF-style: chr18-59828511-A-G.
Other names: c.76T>C, p.Ser26Pro (NM_012327.6); short protein forms S26P.
Identifiers: ClinVar variation 643761 (VCV000643761.8), dbSNP rs183421871, ClinGen allele CA402604697.

ClinVar aggregate classification (germline): Uncertain significance (1 of 4 stars; one submission).

Conditions:
Multiple congenital anomalies-hypotonia-seizures syndrome 1 (MCAHS1). Also called: PIGN-CDG; Congenital disorder of glycosylation due to PIGN deficiency; GLYCOSYLPHOSPHATIDYLINOSITOL BIOSYNTHESIS DEFECT 3. Identifiers: Orphanet 280633, MedGen C3279775, MONDO:0013563, OMIM 614080.

Submission:

Labcorp Genetics (formerly Invitae), Labcorp
Classification: Uncertain significance for Multiple congenital anomalies-hypotonia-seizures syndrome 1. Last evaluated: 2020-02-15. Review status: criteria provided, single submitter. Criteria: Invitae Variant Classification Sherloc (09022015). Collection method: clinical testing. Allele origin: germline.
Comment: This sequence change replaces serine with proline at codon 26 of the PIGN protein (p.Ser26Pro). The serine residue is highly conserved and there is a moderate physicochemical difference between serine and proline. In summary, the available evidence is currently insufficient to determine the role of this variant in disease. Therefore, it has been classified as a Variant of Uncertain Significance. Algorithms developed to predict the effect of missense changes on protein structure and function (SIFT, PolyPhen-2, Align-GVGD) all suggest that this variant is likely to be disruptive, but these predictions have not been confirmed by published functional studies and their clinical significance is uncertain. This variant has not been reported in the literature in individuals with PIGN-related conditions. ClinVar contains an entry for this variant (Variation ID: 643761). This variant is not present in population databases (ExAC no frequency).